The following is an entry in ClinVar:

NM_001298.3(CNGA3):c.1116C>T (p.Pro372=)

Gene: CNGA3 (cyclic nucleotide gated channel subunit alpha 3; plus strand). Cytogenetic location: 2q11.2.
Variant type: single nucleotide variant.
Coding change: c.1116C>T on transcript NM_001298.3 (MANE Select); coding-DNA position 1116, C replaced by T.
Protein change: p.Pro372=; no amino-acid change (proline 372 retained).
Molecular consequence: synonymous variant.
Genome position (GRCh38, 1-based): chr2:98,396,286, C>T. VCF-style: chr2-98396286-C-T. GRCh37 (hg19) VCF-style: chr2-99012749-C-T.
Other names: c.1062C>T, p.Pro354= (NM_001079878.2).
Identifiers: ClinVar variation 722716 (VCV000722716.17), dbSNP rs201649850, ClinGen allele CA1793950.

ClinVar aggregate classification (germline): Conflicting classifications of pathogenicity. Review status: criteria provided, conflicting classifications (1 of 4 stars). 4 submissions from 4 submitters: Uncertain significance (1); Likely benign (2). 1 of the submissions does not count toward it. Last evaluated 2026-01-26.

Conditions:
CNGA3-related disorder. Also called: CNGA3-related condition.
Achromatopsia 2 (ACHM2). Also called: COLORBLINDNESS, TOTAL; ROD MONOCHROMACY 2; ROD MONOCHROMATISM 2. Identifiers: Orphanet 49382, MedGen C1857618, MONDO:0009003, OMIM 216900.

Allele frequency attached by ClinVar (database versions not stated): ESP Exome Variant Server 0.00008; ExAC 0.00020; gnomAD 0.00030 and 0.00031; gnomAD exomes 0.00030; TOPMed 0.00032.
gnomAD v4.1: 444 of 1,610,782 alleles (0.028%); highest among the groups gnomAD compares: Middle Eastern, 0.35%; 1 homozygote.

Submissions (4):

Labcorp Genetics (formerly Invitae), Labcorp
Classification: Likely benign. Last evaluated: 2026-01-26. Review status: criteria provided, single submitter. Criteria: Invitae Variant Classification Sherloc (09022015). Collection method: clinical testing. Allele origin: germline.

Blueprint Genetics
Classification: Likely benign. Last evaluated: 2024-11-01. Review status: criteria provided, single submitter. Criteria: ACMG Guidelines, 2015. Collection method: clinical testing. Allele origin: germline.

Illumina Laboratory Services, Illumina
Classification: Uncertain significance for Achromatopsia 2. Last evaluated: 2018-01-13. Review status: criteria provided, single submitter. Criteria: ICSL Variant Classification Criteria 13 December 2019. Collection method: clinical testing. Allele origin: germline.

PreventionGenetics, part of Exact Sciences
Classification: Likely benign for CNGA3-related condition. Last evaluated: 2019-09-18. Review status: no assertion criteria provided. Collection method: clinical testing. Allele origin: germline. Not counted in ClinVar's aggregate classification.
Comment: This variant is classified as likely benign based on ACMG/AMP sequence variant interpretation guidelines (Richards et al. 2015 PMID: 25741868, with internal and published modifications).